The following is an entry in ClinVar:

NM_024496.4(IRF2BPL):c.404G>A (p.Ser135Asn)

Gene: IRF2BPL (interferon regulatory factor 2 binding protein like; minus strand). Cytogenetic location: 14q24.3.
Variant type: single nucleotide variant.
Coding change: c.404G>A on transcript NM_024496.4 (MANE Select); coding-DNA position 404, G replaced by A.
Protein change: p.Ser135Asn; replaces serine 135 with asparagine.
Molecular consequence: missense variant.
Genome position (GRCh38, 1-based): chr14:77,027,389, C>T on the plus strand (G>A on the coding strand, the complement: IRF2BPL is on the minus strand). VCF-style: chr14-77027389-C-T. GRCh37 (hg19) VCF-style: chr14-77493732-C-T.
Other names: short protein forms S135N.
Identifiers: ClinVar variation 4839725 (VCV004839725.1).

ClinVar aggregate classification (germline): Uncertain significance (1 of 4 stars; one submission).

Conditions:
Inborn genetic diseases. Identifiers: MedGen C0950123, MeSH D030342.

Submission:

Ambry Genetics
Classification: Uncertain significance for Inborn genetic diseases. Last evaluated: 2026-01-26. Review status: criteria provided, single submitter. Criteria: Ambry Variant Classification Scheme 2023. Collection method: clinical testing. Allele origin: germline.
Comment: The c.404G>A (p.S135N) alteration is located in exon 1 (coding exon 1) of the IRF2BPL gene. This alteration results from a G to A substitution at nucleotide position 404, causing the serine (S) at amino acid position 135 to be replaced by an asparagine (N). Based on data from gnomAD, the A allele has an overall frequency of 0.001% (1/105992) total alleles studied. The highest observed frequency was 0.003% (1/37002) of European (non-Finnish) alleles. Based on insufficient or conflicting evidence, the clinical significance of this alteration remains unclear.